The following is an entry in ClinVar:

ClinVar aggregate classification (germline): Uncertain significance (1 of 4 stars; one submission).

Conditions:
Charcot-Marie-Tooth disease dominant intermediate B (CMTDIB). Also called: Charcot-Marie-Tooth disease dominant intermediate 1; CMT DI1; Charcot-Marie-Tooth disease dominant intermediate I; CHARCOT-MARIE-TOOTH NEUROPATHY, DOMINANT INTERMEDIATE B. Identifiers: Orphanet 100044, Orphanet 228179, MedGen C1847902, MONDO:0011674, OMIM 606482.

Submission:

Labcorp Genetics (formerly Invitae), Labcorp
Classification: Uncertain significance for Charcot-Marie-Tooth disease dominant intermediate B. Last evaluated: 2024-07-23. Review status: criteria provided, single submitter. Criteria: Invitae Variant Classification Sherloc (09022015). Collection method: clinical testing. Allele origin: germline.
Comment: This sequence change replaces glycine, which is neutral and non-polar, with glutamic acid, which is acidic and polar, at codon 348 of the DNM2 protein (p.Gly348Glu). This variant is not present in population databases (gnomAD no frequency). This variant has not been reported in the literature in individuals affected with DNM2-related conditions. Advanced modeling of protein sequence and biophysical properties (such as structural, functional, and spatial information, amino acid conservation, physicochemical variation, residue mobility, and thermodynamic stability) has been performed at Invitae for this missense variant, however the output from this modeling did not meet the statistical confidence thresholds required to predict the impact of this variant on DNM2 protein function. In summary, the available evidence is currently insufficient to determine the role of this variant in disease. Therefore, it has been classified as a Variant of Uncertain Significance.

NM_001005361.3(DNM2):c.1043G>A (p.Gly348Glu)

Gene: DNM2 (dynamin 2; plus strand). Cytogenetic location: 19p13.2.
Variant type: single nucleotide variant.
Coding change: c.1043G>A on transcript NM_001005361.3 (MANE Select); coding-DNA position 1043, G replaced by A.
Protein change: p.Gly348Glu; replaces glycine 348 with glutamic acid.
Molecular consequence: missense variant.
Genome position (GRCh38, 1-based): chr19:10,793,770, G>A. VCF-style: chr19-10793770-G-A. GRCh37 (hg19) VCF-style: chr19-10904446-G-A.
Other names: c.1043G>A, p.Gly348Glu (NM_001005360.3, NM_001005362.3, NM_001190716.2 and 1 more transcripts); short protein forms G348E.
Identifiers: ClinVar variation 3660316 (VCV003660316.2).